The following is an entry in ClinVar:

ClinVar aggregate classification (germline): Uncertain significance. Review status: criteria provided, multiple submitters, no conflicts (2 of 4 stars). 2 submissions from 2 submitters: Uncertain significance (2). Last evaluated 2025-10-06.

Conditions:
Hereditary pancreatitis (PCTT). Also called: PRSS1-Related Hereditary Pancreatitis; Hereditary chronic pancreatitis. Identifiers: Orphanet 676, MedGen C0238339, MONDO:0008185, OMIM 167800.

Allele frequency attached by ClinVar (database versions not stated): ExAC 0.00001.
gnomAD v4.1: 2 of 1,614,130 alleles (0.00012%); highest among the groups gnomAD compares: Non-Finnish European, 0.00017%; no homozygotes.

Submissions (2):

Ambry Genetics
Classification: Uncertain significance for Hereditary pancreatitis. Last evaluated: 2025-10-06. Review status: criteria provided, single submitter. Criteria: Ambry Variant Classification Scheme 2023. Collection method: clinical testing. Allele origin: germline.
Comment: The p.H417Q variant (also known as c.1251C>A), located in coding exon 10 of the CPA1 gene, results from a C to A substitution at nucleotide position 1251. The histidine at codon 417 is replaced by glutamine, an amino acid with highly similar properties. This amino acid position is not well conserved in available vertebrate species. In addition, this alteration is predicted to be tolerated by in silico analysis. Since supporting evidence is limited at this time, the clinical significance of this alteration remains unclear.

Labcorp Genetics (formerly Invitae), Labcorp
Classification: Uncertain significance. Last evaluated: 2024-02-20. Review status: criteria provided, single submitter. Criteria: Invitae Variant Classification Sherloc (09022015). Collection method: clinical testing. Allele origin: germline.
Comment: This sequence change replaces histidine, which is basic and polar, with glutamine, which is neutral and polar, at codon 417 of the CPA1 protein (p.His417Gln). This variant is present in population databases (rs782603710, gnomAD 0.0009%). This variant has not been reported in the literature in individuals affected with CPA1-related conditions. An algorithm developed to predict the effect of missense changes on protein structure and function (PolyPhen-2) suggests that this variant is likely to be tolerated. In summary, the available evidence is currently insufficient to determine the role of this variant in disease. Therefore, it has been classified as a Variant of Uncertain Significance.

NM_001868.4(CPA1):c.1251C>A (p.His417Gln)

Gene: CPA1 (carboxypeptidase A1; plus strand). Cytogenetic location: 7q32.2.
Variant type: single nucleotide variant.
Coding change: c.1251C>A on transcript NM_001868.4 (MANE Select); coding-DNA position 1251, C replaced by A.
Protein change: p.His417Gln; replaces histidine 417 with glutamine.
Molecular consequence: missense variant.
Genome position (GRCh38, 1-based): chr7:130,388,002, C>A. VCF-style: chr7-130388002-C-A. GRCh37 (hg19) VCF-style: chr7-130027843-C-A.
Other names: c.1251C>A (NM_001868.2); short protein forms H417Q.
Identifiers: ClinVar variation 2894416 (VCV002894416.5), dbSNP rs782603710, ClinGen allele CA4485090.
Genomic context (GRCh38, chr7:130,388,002, plus strand): 5'-CCCCACAGCCAAGGAGACGTGGCTGGCGCTTCTGACCATCATGGAGCACACCCTGAATCA[C>A]CCCTACTGAGCTGACCCTTTGACACCCTTCTTGTCCTCCTCTCTGGCCCCATCCAGGCAA-3'
Protein context (NP_001859.1, residues 407-419): LLTIMEHTLN[His417Gln]PY